The following is an entry in ClinVar:

ClinVar aggregate classification (germline): Likely benign (0 of 4 stars; one submission).

Conditions:
DHX16-related disorder. Also called: DHX16-related condition.

Allele frequency attached by ClinVar (database versions not stated): TOPMed below 0.00001; gnomAD 0.00025; ExAC 0.00034; 1000 Genomes Project 30x 0.00172; 1000 Genomes Project 0.00180.
gnomAD v4.1: 298 of 1,613,042 alleles (0.018%); highest among the groups gnomAD compares: South Asian, 0.3%; 12 homozygotes.

Submission:

PreventionGenetics, part of Exact Sciences
Classification: Likely benign for DHX16-related condition. Last evaluated: 2019-11-16. Review status: no assertion criteria provided. Collection method: clinical testing. Allele origin: germline.
Comment: This variant is classified as likely benign based on ACMG/AMP sequence variant interpretation guidelines (Richards et al. 2015 PMID: 25741868, with internal and published modifications).

NM_003587.5(DHX16):c.1422G>A (p.Gly474=)

Gene: DHX16 (DEAH-box helicase 16; minus strand). Cytogenetic location: 6p21.33.
Variant type: single nucleotide variant.
Coding change: c.1422G>A on transcript NM_003587.5 (MANE Select); coding-DNA position 1422, G replaced by A.
Protein change: p.Gly474=; no amino-acid change (glycine 474 retained).
Molecular consequence: synonymous variant. On other transcripts: 5 prime UTR variant (1).
Genome position (GRCh38, 1-based): chr6:30,662,917, C>T on the plus strand (G>A on the coding strand, the complement: DHX16 is on the minus strand). VCF-style: chr6-30662917-C-T. GRCh37 (hg19) VCF-style: chr6-30630694-C-T.
Other names: c.1242G>A, p.Gly414= (NM_001164239.2); c.-698G>A (NM_001363515.2).
Identifiers: ClinVar variation 3035029 (VCV003035029.2), dbSNP rs563572894, ClinGen allele CA3701238.
Genomic context (GRCh38, chr6:30,662,917, plus strand): 5'-GTAGACTGAGTCACAGACCCCAGACTCTACCCCCCGGTTCCCTAGAAATCTCACCTCATT[C>T]CCAAGCTTCACACCCATCTCCCGGGCCACTCGGGCGGCCACACTCATGGCAGCCACTCTC-3'
Protein context (NP_003578.2, residues 464-484): RVAREMGVKL[Gly474=]NEVGYSIRFE